The following is an entry in ClinVar:

NM_130837.3(OPA1):c.211C>T (p.Arg71Cys)

Gene: OPA1 (OPA1 mitochondrial dynamin like GTPase; plus strand). Cytogenetic location: 3q29.
Variant type: single nucleotide variant.
Coding change: c.211C>T on transcript NM_130837.3 (MANE Select); coding-DNA position 211, C replaced by T.
Protein change: p.Arg71Cys; replaces arginine 71 with cysteine.
Molecular consequence: missense variant. On other transcripts: 5 prime UTR variant (2).
Genome position (GRCh38, 1-based): chr3:193,614,901, C>T. VCF-style: chr3-193614901-C-T. GRCh37 (hg19) VCF-style: chr3-193332690-C-T.
Other names: c.-162C>T (NM_001354663.2, NM_001354664.2); c.211C>T, p.Arg71Cys (NM_015560.3, NM_130831.3, NM_130832.3 and 4 more transcripts); c.211C>T (NM_130837.2); short protein forms R71C.
Identifiers: ClinVar variation 1502084 (VCV001502084.39), dbSNP rs368488165, ClinGen allele CA323316.
Genomic context (GRCh38, chr3:193,614,901, plus strand): 5'-CAACGACCCCAATTAAGGACATCCTTTCAGCAGTTCTCTTCTCTGACAAACCTTCCTTTA[C>T]GTAAACTGAAATTCTCTCCAATTAAATATGGCTACCAGCCTCGCAGGAATTTTTGGCCAG-3'
Protein context (NP_570850.2, residues 61-81): QFSSLTNLPL[Arg71Cys]KLKFSPIKYG

ClinVar aggregate classification (germline): Conflicting classifications of pathogenicity. Review status: criteria provided, conflicting classifications (1 of 4 stars). 4 submissions from 4 submitters: Uncertain significance (3); Benign (1). Last evaluated 2026-02-01.

Conditions:
OPA1-related disorder. Also called: OPA1-related condition; OPA1-related disorders.

Allele frequency attached by ClinVar (database versions not stated): gnomAD exomes 0.00004; ExAC 0.00005; TOPMed 0.00005; gnomAD 0.00008 and 0.00009; ESP Exome Variant Server 0.00015.

Submissions (4):

Labcorp Genetics (formerly Invitae), Labcorp
Classification: Benign. Last evaluated: 2026-02-01. Review status: criteria provided, single submitter. Criteria: Invitae Variant Classification Sherloc (09022015). Collection method: clinical testing. Allele origin: germline.

PreventionGenetics, part of Exact Sciences
Classification: Uncertain significance for OPA1-related condition. Last evaluated: 2025-07-08. Review status: criteria provided, single submitter. Criteria: ACMG Guidelines, 2015. Collection method: clinical testing. Allele origin: germline.
Comment: The OPA1 c.211C>T variant is predicted to result in the amino acid substitution p.Arg71Cys. This variant was previously described in the homozygous state in an individual with leukodystrophy or leukoencephalopathy (Manisha et al. 2024. PubMed ID: 39184309). This variant is reported in 0.020% of alleles in individuals of African descent in gnomAD. At this time, the clinical significance of this variant is uncertain due to the absence of conclusive functional and genetic evidence.

CeGaT Center for Human Genetics Tuebingen
Classification: Uncertain significance. Last evaluated: 2022-12-01. Review status: criteria provided, single submitter. Criteria: CeGaT Center For Human Genetics Tuebingen Variant Classification Criteria Version 2. Collection method: clinical testing. Allele origin: germline. Affected: yes. Observed: 1 variant allele.

Blueprint Genetics
Classification: Uncertain significance. Last evaluated: 2022-05-01. Review status: criteria provided, single submitter. Criteria: ACMG Guidelines, 2015. Collection method: clinical testing. Allele origin: germline.